The following is an entry in ClinVar:

NM_000041.4(APOE):c.692G>T (p.Arg231Leu)

Gene: APOE (apolipoprotein E; plus strand). Cytogenetic location: 19q13.32.
Variant type: single nucleotide variant.
Coding change: c.692G>T on transcript NM_000041.4 (MANE Select); coding-DNA position 692, G replaced by T.
Protein change: p.Arg231Leu; replaces arginine 231 with leucine.
Molecular consequence: missense variant.
Genome position (GRCh38, 1-based): chr19:44,908,988, G>T. VCF-style: chr19-44908988-G-T. GRCh37 (hg19) VCF-style: chr19-45412245-G-T.
Other names: c.770G>T, p.Arg257Leu (NM_001302688.2); c.692G>T, p.Arg231Leu (NM_001302689.2, NM_001302690.2, NM_001302691.2); short protein forms R231L, R257L.
Identifiers: ClinVar variation 2499380 (VCV002499380.1), dbSNP rs1237339516, ClinGen allele CA406304716.

ClinVar aggregate classification (germline): Uncertain significance (1 of 4 stars; one submission).

gnomAD v4.1: 1 of 1,532,778 alleles (0.000065%); highest among the groups gnomAD compares: Non-Finnish European, 0.000087%; no homozygotes.

Submission:

GeneDx
Classification: Uncertain significance. Last evaluated: 2022-10-17. Review status: criteria provided, single submitter. Criteria: GeneDx Variant Classification Process June 2021. Collection method: clinical testing. Allele origin: germline. Affected: yes.
Comment: Not observed at significant frequency in large population cohorts (gnomAD); In silico analysis supports that this missense variant does not alter protein structure/function; Has not been previously published as pathogenic or benign to our knowledge